The following is an entry in ClinVar:

NM_000744.7(CHRNA4):c.802C>T (p.Pro268Ser)

Gene: CHRNA4 (cholinergic receptor nicotinic alpha 4 subunit; minus strand). Cytogenetic location: 20q13.33.
Variant type: single nucleotide variant.
Coding change: c.802C>T on transcript NM_000744.7 (MANE Select); coding-DNA position 802, C replaced by T.
Protein change: p.Pro268Ser; replaces proline 268 with serine.
Molecular consequence: missense variant. On other transcripts: non-coding transcript variant (1).
Genome position (GRCh38, 1-based): chr20:63,350,609, G>A on the plus strand (C>T on the coding strand, the complement: CHRNA4 is on the minus strand). VCF-style: chr20-63350609-G-A. GRCh37 (hg19) VCF-style: chr20-61981961-G-A.
Other names: c.274C>T, p.Pro92Ser (NM_001256573.2); short protein forms P92S, P268S.
Identifiers: ClinVar variation 2828131 (VCV002828131.3), dbSNP rs780729214, ClinGen allele CA9957725.
Genomic context (GRCh38, chr20:63,350,609, plus strand): 5'-AGACGGTGAGCGACAGCAGCACGGAGATGCACAGCGTGATCTTCTCGCCACACTCGGAGG[G>A]CAGGTAGAAGACCAGCACGGTGAGGCAGGAGATGAGCAGGCAGGGGATGATGAGGTTGAT-3'
Protein context (NP_000735.1, residues 258-278): SCLTVLVFYL[Pro268Ser]SECGEKITLC

ClinVar aggregate classification (germline): Uncertain significance (1 of 4 stars; one submission).

Conditions:
Familial sleep-related hypermotor epilepsy. Also called: Autosomal Dominant Sleep-Related Hypermotor (Hyperkinetic) Epilepsy. Identifiers: Orphanet 98784, MedGen C3696898, MONDO:0000030.

Allele frequency attached by ClinVar (database versions not stated): gnomAD exomes below 0.00001; ExAC 0.00001.
gnomAD v4.1: 1 of 1,614,070 alleles (0.000062%); highest among the groups gnomAD compares: Admixed American, 0.0017%; no homozygotes.

Submission:

Labcorp Genetics (formerly Invitae), Labcorp
Classification: Uncertain significance. Last evaluated: 2023-02-28. Review status: criteria provided, single submitter. Criteria: Invitae Variant Classification Sherloc (09022015). Collection method: clinical testing. Allele origin: germline.
Comment: This variant is present in population databases (rs780729214, gnomAD 0.003%). In summary, the available evidence is currently insufficient to determine the role of this variant in disease. Therefore, it has been classified as a Variant of Uncertain Significance. Advanced modeling of protein sequence and biophysical properties (such as structural, functional, and spatial information, amino acid conservation, physicochemical variation, residue mobility, and thermodynamic stability) performed at Invitae indicates that this missense variant is expected to disrupt CHRNA4 protein function. This variant has not been reported in the literature in individuals affected with CHRNA4-related conditions. This sequence change replaces proline, which is neutral and non-polar, with serine, which is neutral and polar, at codon 268 of the CHRNA4 protein (p.Pro268Ser).